The following is an entry in ClinVar:

NM_001142864.4(PIEZO1):c.6811G>T (p.Glu2271Ter)

Gene: PIEZO1 (piezo type mechanosensitive ion channel component 1 (Er blood group); minus strand). Cytogenetic location: 16q24.3.
Variant type: single nucleotide variant.
Coding change: c.6811G>T on transcript NM_001142864.4 (MANE Select); coding-DNA position 6811, G replaced by T.
Protein change: p.Glu2271Ter; replaces glutamic acid 2271 with a stop codon.
Molecular consequence: nonsense.
Genome position (GRCh38, 1-based): chr16:88,716,674, C>A on the plus strand (G>T on the coding strand, the complement: PIEZO1 is on the minus strand). VCF-style: chr16-88716674-C-A. GRCh37 (hg19) VCF-style: chr16-88783082-C-A.
Other names: short protein forms E2271*.
Identifiers: ClinVar variation 3355677 (VCV003355677.1).

ClinVar aggregate classification (germline): Likely pathogenic (0 of 4 stars; one submission).

Conditions:
PIEZO1-related disorder. Also called: PIEZO1-related condition; PIEZO1-Related Disorders.

gnomAD v4.1: 2 of 1,549,218 alleles (0.00013%); highest among the groups gnomAD compares: Admixed American, 0.002%; no homozygotes.

Submission:

PreventionGenetics, part of Exact Sciences
Classification: Likely pathogenic for PIEZO1-related condition. Last evaluated: 2024-09-23. Review status: no assertion criteria provided. Collection method: clinical testing. Allele origin: germline.
Comment: The PIEZO1 c.6811G>T variant is predicted to result in premature protein termination (p.Glu2271*). To our knowledge, this variant has not been reported in the literature or in a large population database, indicating this variant is rare. Nonsense variants in PIEZO1 are expected to be pathogenic. This variant is interpreted as likely pathogenic.